The following is an entry in ClinVar:

ClinVar aggregate classification (germline): Likely benign (1 of 4 stars; one submission).

Submission:

CeGaT Center for Human Genetics Tuebingen
Classification: Likely benign. Last evaluated: 2026-09-01. Review status: criteria provided, single submitter. Criteria: CeGaT Center For Human Genetics Tuebingen Variant Classification Criteria Version 2. Collection method: clinical testing. Allele origin: germline. Affected: yes. Observed: 4 variant alleles.
Comment: FLNC: PM2:Supporting, BP4, BP7

NM_001458.5(FLNC):c.363C>A (p.Ala121=)

Gene: FLNC (filamin C; plus strand). Cytogenetic location: 7q32.1.
Variant type: single nucleotide variant.
Coding change: c.363C>A on transcript NM_001458.5 (MANE Select); coding-DNA position 363, C replaced by A.
Protein change: p.Ala121=; no amino-acid change (alanine 121 retained).
Molecular consequence: synonymous variant.
Genome position (GRCh38, 1-based): chr7:128,835,336, C>A. VCF-style: chr7-128835336-C-A. GRCh37 (hg19) VCF-style: chr7-128475390-C-A.
Other names: c.363C>A, p.Ala121= (NM_001127487.2).
Identifiers: ClinVar variation 4874077 (VCV004874077.2).